The following is an entry in ClinVar:

ClinVar aggregate classification (germline): Uncertain significance (1 of 4 stars; one submission).

Conditions:
DICER1-related tumor predisposition. Also called: DICER1 syndrome; DICER1-related pleuropulmonary blastoma cancer predisposition syndrome. Identifiers: Orphanet 284343, MedGen C3839822, MONDO:0100216.

Submission:

Labcorp Genetics (formerly Invitae), Labcorp
Classification: Uncertain significance for DICER1-related tumor predisposition. Last evaluated: 2019-04-07. Review status: criteria provided, single submitter. Criteria: Invitae Variant Classification Sherloc (09022015). Collection method: clinical testing. Allele origin: germline.
Comment: Nucleotide substitutions within the consensus splice site are a relatively common cause of aberrant splicing (PMID: 17576681, 9536098). Algorithms developed to predict the effect of sequence changes on RNA splicing suggest that this variant may disrupt the consensus splice site, but this prediction has not been confirmed by published transcriptional studies. In summary, the available evidence is currently insufficient to determine the role of this variant in disease. Therefore, it has been classified as a Variant of Uncertain Significance. This variant has not been reported in the literature in individuals with DICER1-related conditions. This variant is not present in population databases (ExAC no frequency). This sequence change falls in intron 16 of the DICER1 gene. It does not directly change the encoded amino acid sequence of the DICER1 protein, but it affects a nucleotide within the consensus splice site of the intron.

Literature cited by the submitters: PubMed 17576681; PubMed 9536098.

NM_177438.3(DICER1):c.2650+4A>G

Gene: DICER1 (dicer 1, ribonuclease III; minus strand). Cytogenetic location: 14q32.13.
Variant type: single nucleotide variant.
Coding change: c.2650+4A>G on transcript NM_177438.3 (MANE Select); 4 bases into the intron after coding-DNA position 2650, A replaced by G.
Molecular consequence: intron variant.
Genome position (GRCh38, 1-based): chr14:95,107,876, T>C on the plus strand (A>G on the coding strand, the complement: DICER1 is on the minus strand). VCF-style: chr14-95107876-T-C. GRCh37 (hg19) VCF-style: chr14-95574213-T-C.
Other names: c.2650+4A>G (NM_001291628.2, NM_030621.4, NM_001271282.3 and 1 more transcripts).
Identifiers: ClinVar variation 847116 (VCV000847116.9), dbSNP rs1891584906, ClinGen allele CA916081728.